The following is an entry in ClinVar:

ClinVar aggregate classification (germline): Likely pathogenic (1 of 4 stars; one submission).

Conditions:
COL1A1-related disorder. Also called: COL1A1-related condition; COL1A1- related disease.

Submission:

PreventionGenetics, part of Exact Sciences
Classification: Likely pathogenic for COL1A1-related condition. Last evaluated: 2026-04-24. Review status: criteria provided, single submitter. Criteria: ACMG Guidelines, 2015. Collection method: clinical testing. Allele origin: germline.
Comment: The COL1A1 c.1796G>T variant is predicted to result in the amino acid substitution p.Gly599Val. To our knowledge, this variant has not been reported in the literature or in a large population database (gnomAD), indicating this variant is rare. This variant is located in the conserved Gly-Xaa-Yaa triple helical domain where substitutions of a glycine are usually pathogenic (Residues 179-1192; Legacy nomenclature in Marini et al. 2007. PubMed ID: 17078022 indicates amino acids 1-1012; Symoens. 2014. PubMed ID: 25146735). A different glycine substitution at the same amino acid position (c.1795G>A/p.Gly599Ser) has been reported as a de novo occurrence in an individual from a cohort of patients with osteogenesis imperfecta (Supplementary Table, Tüysüz et al. 2022. PubMed ID: 34902613). In summary, this variant is interpreted as likely pathogenic.

NM_000088.4(COL1A1):c.1796G>T (p.Gly599Val)

Gene: COL1A1 (collagen type I alpha 1 chain; minus strand). Cytogenetic location: 17q21.33.
Variant type: single nucleotide variant.
Coding change: c.1796G>T on transcript NM_000088.4 (MANE Select); coding-DNA position 1796, G replaced by T.
Protein change: p.Gly599Val; replaces glycine 599 with valine.
Molecular consequence: missense variant.
Genome position (GRCh38, 1-based): chr17:50,193,019, C>A on the plus strand (G>T on the coding strand, the complement: COL1A1 is on the minus strand). VCF-style: chr17-50193019-C-A. GRCh37 (hg19) VCF-style: chr17-48270380-C-A.
Other names: short protein forms G599V.
Identifiers: ClinVar variation 4995172 (VCV004995172.1).